The following is an entry in ClinVar:

NM_006030.4(CACNA2D2):c.1046A>G (p.Asn349Ser)

Gene: CACNA2D2 (calcium voltage-gated channel auxiliary subunit alpha2delta 2; minus strand). Cytogenetic location: 3p21.31.
Variant type: single nucleotide variant.
Coding change: c.1046A>G on transcript NM_006030.4 (MANE Select); coding-DNA position 1046, A replaced by G.
Protein change: p.Asn349Ser; replaces asparagine 349 with serine.
Molecular consequence: missense variant.
Genome position (GRCh38, 1-based): chr3:50,379,538, T>C on the plus strand (A>G on the coding strand, the complement: CACNA2D2 is on the minus strand). VCF-style: chr3-50379538-T-C. GRCh37 (hg19) VCF-style: chr3-50416969-T-C.
Other names: c.1046A>G, p.Asn349Ser (NM_001005505.3, NM_001174051.3); c.839A>G, p.Asn280Ser (NM_001291101.1); short protein forms N280S, N349S.
Identifiers: ClinVar variation 1019227 (VCV001019227.4), dbSNP rs1231684830, ClinGen allele CA352936432.

ClinVar aggregate classification (germline): Uncertain significance (1 of 4 stars; one submission).

Conditions:
Developmental and epileptic encephalopathy. Identifiers: MedGen C5779964, MONDO:0100620.

Allele frequency attached by ClinVar (database versions not stated): gnomAD 0.00001; gnomAD exomes 0.00001; TOPMed 0.00001.
gnomAD v4.1: 17 of 1,613,868 alleles (0.0011%); highest among the groups gnomAD compares: African/African-American, 0.0053%; no homozygotes.

Submission:

Labcorp Genetics (formerly Invitae), Labcorp
Classification: Uncertain significance for Early-infantile DEE. Last evaluated: 2024-11-18. Review status: criteria provided, single submitter. Criteria: Invitae Variant Classification Sherloc (09022015). Collection method: clinical testing. Allele origin: germline.
Comment: This sequence change replaces asparagine, which is neutral and polar, with serine, which is neutral and polar, at codon 349 of the CACNA2D2 protein (p.Asn349Ser). This variant is present in population databases (no rsID available, gnomAD 0.0009%). This variant has not been reported in the literature in individuals affected with CACNA2D2-related conditions. ClinVar contains an entry for this variant (Variation ID: 1019227). An algorithm developed to predict the effect of missense changes on protein structure and function (PolyPhen-2) suggests that this variant is likely to be disruptive. In summary, the available evidence is currently insufficient to determine the role of this variant in disease. Therefore, it has been classified as a Variant of Uncertain Significance.